The following is an entry in ClinVar:

NM_000059.4(BRCA2):c.7370T>G (p.Phe2457Cys)

Gene: BRCA2 (BRCA2 DNA repair associated; plus strand). Cytogenetic location: 13q13.1.
Variant type: single nucleotide variant.
Coding change: c.7370T>G on transcript NM_000059.4 (MANE Select); coding-DNA position 7370, T replaced by G.
Protein change: p.Phe2457Cys; replaces phenylalanine 2457 with cysteine.
Molecular consequence: missense variant.
Genome position (GRCh38, 1-based): chr13:32,355,223, T>G. VCF-style: chr13-32355223-T-G. GRCh37 (hg19) VCF-style: chr13-32929360-T-G.
Other names: short protein forms F2457C.
Identifiers: ClinVar variation 234879 (VCV000234879.13), dbSNP rs876661273, ClinGen allele CA10577489.

ClinVar aggregate classification (germline): Conflicting classifications of pathogenicity. Review status: criteria provided, conflicting classifications (1 of 4 stars). 5 submissions from 5 submitters: Uncertain significance (2); Likely benign (1). 2 of the submissions do not count toward it. Last evaluated 2025-10-27.

Conditions:
Hereditary breast ovarian cancer syndrome. Also called: BRCA1- and BRCA2-Associated Hereditary Breast and Ovarian Cancer; Hereditary breast and ovarian cancer syndrome; Hereditary breast and ovarian cancer; Hereditary breast and ovarian cancer syndrome (HBOC); Breast and ovarian cancer; Hereditary breast and/or ovarian cancer syndrome. Identifiers: Orphanet 145, MedGen C0677776, MeSH D061325, MONDO:0003582. Disease mechanism: loss of function.
Hereditary cancer-predisposing syndrome. Also called: Hereditary neoplastic syndrome; Hereditary Cancer Syndrome; Neoplastic Syndromes, Hereditary; Tumor predisposition. Identifiers: Orphanet 140162, MedGen C0027672, MeSH D009386, MONDO:0015356.

Allele frequency attached by ClinVar (database versions not stated): gnomAD exomes below 0.00001; TOPMed below 0.00001.
gnomAD v4.1: 1 of 1,613,030 alleles (0.000062%); no homozygotes.

Submissions (5):

Labcorp Genetics (formerly Invitae), Labcorp
Classification: Uncertain significance for Hereditary breast ovarian cancer syndrome. Last evaluated: 2025-10-27. Review status: criteria provided, single submitter. Criteria: Invitae Variant Classification Sherloc (09022015). Collection method: clinical testing. Allele origin: germline.
Comment: This sequence change replaces phenylalanine, which is neutral and non-polar, with cysteine, which is neutral and slightly polar, at codon 2457 of the BRCA2 protein (p.Phe2457Cys). This variant is present in population databases (no rsID available, gnomAD 0.007%). This missense change has been observed in individual(s) with clinical features of BRCA2-related conditions (PMID: 21520333). ClinVar contains an entry for this variant (Variation ID: 234879). Invitae Evidence Modeling of protein sequence and biophysical properties (such as structural, functional, and spatial information, amino acid conservation, physicochemical variation, residue mobility, and thermodynamic stability) indicates that this missense variant is not expected to disrupt BRCA2 protein function with a negative predictive value of 95%. In summary, the available evidence is currently insufficient to determine the role of this variant in disease. Therefore, it has been classified as a Variant of Uncertain Significance.

Ambry Genetics
Classification: Likely benign for Hereditary cancer-predisposing syndrome. Last evaluated: 2025-10-07. Review status: criteria provided, single submitter. Criteria: Ambry Variant Classification Scheme 2023. Collection method: clinical testing. Allele origin: germline.

GeneDx
Classification: Uncertain significance. Last evaluated: 2021-02-03. Review status: criteria provided, single submitter. Criteria: GeneDx Variant Classification Process June 2021. Collection method: clinical testing. Allele origin: germline. Affected: yes.
Comment: Not observed in large population cohorts (Lek 2016); In silico analysis supports that this missense variant does not alter protein structure/function; Has not been previously published as pathogenic or benign to our knowledge

Clinical Genetics Laboratory, Department of Pathology, Netherlands Cancer Institute
Classification: Likely benign. Review status: no assertion criteria provided. Collection method: clinical testing. Allele origin: germline. Affected: yes. Study: VKGL Data-share Consensus. Not counted in ClinVar's aggregate classification.

Diagnostic Laboratory, Department of Genetics, University Medical Center Groningen
Classification: Likely benign. Review status: no assertion criteria provided. Collection method: clinical testing. Allele origin: germline. Affected: yes. Study: VKGL Data-share Consensus. Not counted in ClinVar's aggregate classification.

Literature cited by the submitters: PubMed 21520333 (cited by Labcorp Genetics (formerly Invitae), Labcorp).